The following is an entry in ClinVar:

NM_000372.5(TYR):c.911A>G (p.His304Arg)

Gene: TYR (tyrosinase; plus strand). Cytogenetic location: 11q14.3.
Variant type: single nucleotide variant.
Coding change: c.911A>G on transcript NM_000372.5 (MANE Select); coding-DNA position 911, A replaced by G.
Protein change: p.His304Arg; replaces histidine 304 with arginine.
Molecular consequence: missense variant.
Genome position (GRCh38, 1-based): chr11:89,191,293, A>G. VCF-style: chr11-89191293-A-G. GRCh37 (hg19) VCF-style: chr11-88924461-A-G.
Other names: short protein forms H304R.
Identifiers: ClinVar variation 4077110 (VCV004077110.1).

ClinVar aggregate classification (germline): Likely pathogenic (1 of 4 stars; one submission).

Conditions:
Oculocutaneous albinism type 1B (OCA1B). Also called: ALBINISM, OCULOCUTANEOUS, TYPE IB; ALBINISM, YELLOW MUTANT TYPE; YELLOW ALBINISM. Identifiers: Orphanet 352731, Orphanet 352737, Orphanet 79434, MedGen C1847024, MONDO:0011749, OMIM 606952.
Oculocutaneous albinism type 1A (OCA1A). Also called: Albinism, oculocutaneous, type IA. Identifiers: Orphanet 352731, Orphanet 79431, MedGen C4551504, MONDO:0008745, OMIM 203100. Disease mechanism: loss of function.

Submission:

Laboratory of Genetic Epidemiology, Research Centre for Medical Genetics
Classification: Likely pathogenic for Oculocutaneous albinism type 1A; Oculocutaneous albinism type 1B. Last evaluated: 2025-01-01. Review status: criteria provided, single submitter. Criteria: ACMG Guidelines, 2015. Collection method: clinical testing. Allele origin: unknown. Inheritance: Autosomal recessive inheritance. Affected: yes. Observed: 1 heterozygote.
Comment: This variant has been previously reported in the literature (PMID: 29345414) and is not listed in gnomAD v3.1.2. The affected amino acid position is evolutionarily conserved, and multiple in silico prediction tools support a deleterious effect. We assume that this variant is highly likely to be in trans-position with the likely pathogenic variant NM_000372.5:c.650G>A, p.(Arg217Gln) in proband; therefore, based on the literature (PMID: 30311386), we apply the ACMG pathogenic criterion PM3 Supporting. Taken together, the variant meets the following ACMG/AMP criteria and can be classified as likely pathogenic with PM2, PP3, PM3, PP5, PP4 criteria.

Literature cited by the submitters: PubMed 41428507.